The following is an entry in ClinVar:

ClinVar aggregate classification (germline): Uncertain significance (1 of 4 stars; one submission).

Conditions:
Microcephaly-intellectual disability-sensorineural hearing loss-epilepsy-abnormal muscle tone syndrome (NEDHSB). Also called: NEURODEVELOPMENTAL DISORDER WITH HEARING LOSS, SEIZURES, AND BRAIN ABNORMALITIES. Identifiers: Orphanet 457351, MedGen C4225276, MONDO:0014698, OMIM 616577.

Allele frequency attached by ClinVar (database versions not stated): gnomAD exomes below 0.00001 and 0.00001; gnomAD 0.00002; TOPMed 0.00005.
gnomAD v4.1: 9 of 1,589,070 alleles (0.00057%); highest among the groups gnomAD compares: African/African-American, 0.012%; no homozygotes.

Submission:

Labcorp Genetics (formerly Invitae), Labcorp
Classification: Uncertain significance for Microcephaly-intellectual disability-sensorineural hearing loss-epilepsy-abnormal muscle tone syndrome. Last evaluated: 2024-10-15. Review status: criteria provided, single submitter. Criteria: Invitae Variant Classification Sherloc (09022015). Collection method: clinical testing. Allele origin: germline.
Comment: This sequence change replaces lysine, which is basic and polar, with arginine, which is basic and polar, at codon 374 of the SPATA5 protein (p.Lys374Arg). This variant is present in population databases (no rsID available, gnomAD 0.01%). This variant has not been reported in the literature in individuals affected with SPATA5-related conditions. ClinVar contains an entry for this variant (Variation ID: 1035895). Invitae Evidence Modeling of protein sequence and biophysical properties (such as structural, functional, and spatial information, amino acid conservation, physicochemical variation, residue mobility, and thermodynamic stability) indicates that this missense variant is not expected to disrupt SPATA5 protein function with a negative predictive value of 80%. In summary, the available evidence is currently insufficient to determine the role of this variant in disease. Therefore, it has been classified as a Variant of Uncertain Significance.

NM_145207.3(AFG2A):c.1121A>G (p.Lys374Arg)

Gene: AFG2A (AAA ATPase AFG2A; plus strand). Cytogenetic location: 4q28.1.
Variant type: single nucleotide variant.
Coding change: c.1121A>G on transcript NM_145207.3 (MANE Select); coding-DNA position 1121, A replaced by G.
Protein change: p.Lys374Arg; replaces lysine 374 with arginine.
Molecular consequence: missense variant.
Genome position (GRCh38, 1-based): chr4:122,934,712, A>G. VCF-style: chr4-122934712-A-G. GRCh37 (hg19) VCF-style: chr4-123855867-A-G.
Other names: c.1118A>G, p.Lys373Arg (NM_001317799.2, NM_001345856.2); short protein forms K373R, K374R.
Identifiers: ClinVar variation 1035895 (VCV001035895.4), dbSNP rs919461238, ClinGen allele CA104813718.